The following is an entry in ClinVar:

ClinVar aggregate classification (germline): Likely benign (1 of 4 stars; one submission).

Submission:

GeneDx
Classification: Likely benign. Last evaluated: 2023-11-30. Review status: criteria provided, single submitter. Criteria: GeneDx Variant Classification Process June 2021. Collection method: clinical testing. Allele origin: germline. Affected: yes.
Comment: See Variant Classification Assertion Criteria.

NM_001145026.2(PTPRQ):c.3446-5dup

Gene: PTPRQ (protein tyrosine phosphatase receptor type Q; plus strand). Cytogenetic location: 12q21.31.
Variant type: Duplication.
Coding change: c.3446-5dup on transcript NM_001145026.2 (MANE Select); 5 bases into the intron before coding-DNA position 3446, one base duplicated (T; older notation c.3446-5dupT).
Molecular consequence: intron variant.
Genome position (GRCh38, 1-based): chr12:80,542,084, T duplicated; the last of 4 consecutive T bases (chr12:80,542,081-80,542,084); duplicating any one gives the same sequence. VCF-style (leftmost placement, unchanged base first): chr12-80542080-C-CT. GRCh37 (hg19) VCF-style: chr12-80935859-C-CT.
Identifiers: ClinVar variation 1197075 (VCV001197075.4), dbSNP rs544769020, ClinGen allele CA6702637.